The following is an entry in ClinVar:

ClinVar aggregate classification (germline): Uncertain significance (1 of 4 stars; one submission).

Conditions:
Hereditary cancer-predisposing syndrome. Also called: Neoplastic Syndromes, Hereditary; Tumor predisposition; Hereditary neoplastic syndrome; Hereditary Cancer Syndrome. Identifiers: Orphanet 140162, MedGen C0027672, MeSH D009386, MONDO:0015356.

Submission:

Ambry Genetics
Classification: Uncertain significance for Hereditary cancer-predisposing syndrome. Last evaluated: 2019-04-05. Review status: criteria provided, single submitter. Criteria: Ambry Variant Classification Scheme 2023. Collection method: clinical testing. Allele origin: germline.
Comment: The p.S2473F variant (also known as c.7418C>T), located in coding exon 15 of the APC gene, results from a C to T substitution at nucleotide position 7418. The serine at codon 2473 is replaced by phenylalanine, an amino acid with highly dissimilar properties. This amino acid position is highly conserved in available vertebrate species. In addition, in silico predictors for this gene do not accurately predict pathogenicity. Since supporting evidence is limited at this time, the clinical significance of this alteration remains unclear.

NM_000038.6(APC):c.7418C>T (p.Ser2473Phe)

Gene: APC (APC regulator of Wnt signaling pathway; plus strand). Cytogenetic location: 5q22.2.
Variant type: single nucleotide variant.
Coding change: c.7418C>T on transcript NM_000038.6 (MANE Select); coding-DNA position 7418, C replaced by T.
Protein change: p.Ser2473Phe; replaces serine 2473 with phenylalanine.
Molecular consequence: missense variant.
Genome position (GRCh38, 1-based): chr5:112,843,012, C>T. VCF-style: chr5-112843012-C-T. GRCh37 (hg19) VCF-style: chr5-112178709-C-T.
Other names: c.7418C>T, p.Ser2473Phe (NM_001127510.3, NM_001354895.2); c.7364C>T, p.Ser2455Phe (NM_001127511.3); c.7472C>T, p.Ser2491Phe (NM_001354896.2); c.7448C>T, p.Ser2483Phe (NM_001354897.2); c.7343C>T, p.Ser2448Phe (NM_001354898.2); c.7334C>T, p.Ser2445Phe (NM_001354899.2); c.7295C>T, p.Ser2432Phe (NM_001354900.2); c.7241C>T, p.Ser2414Phe (NM_001354901.2); and 5 more; short protein forms S2414F, S2432F, S2473F, S2483F, S2445F, S2448F, S2455F, S2491F.
Identifiers: ClinVar variation 827030 (VCV000827030.4), dbSNP rs1580682419, ClinGen allele CA16037477.
Genomic context (GRCh38, chr5:112,843,012, plus strand): 5'-GAAGAAAATTGGAGGAATCTGCTTCATTTGAATCTCTTTCTCCATCATCTAGACCAGCTT[C>T]TCCCACTAGGTCCCAGGCACAAACTCCAGTTTTAAGTCCTTCCCTTCCTGATATGTCTCT-3'
Protein context (NP_000029.2, residues 2463-2483): ESLSPSSRPA[Ser2473Phe]PTRSQAQTPV